The following is an entry in ClinVar:

ClinVar aggregate classification (germline): Uncertain significance (1 of 4 stars; one submission).

gnomAD v4.1: 6 of 1,529,452 alleles (0.00039%); highest among the groups gnomAD compares: Non-Finnish European, 0.00053%; no homozygotes.

Submission:

Labcorp Genetics (formerly Invitae), Labcorp
Classification: Uncertain significance. Last evaluated: 2024-03-20. Review status: criteria provided, single submitter. Criteria: Invitae Variant Classification Sherloc (09022015). Collection method: clinical testing. Allele origin: germline.
Comment: This sequence change replaces valine, which is neutral and non-polar, with alanine, which is neutral and non-polar, at codon 1286 of the UNC80 protein (p.Val1286Ala). This variant is not present in population databases (gnomAD no frequency). This variant has not been reported in the literature in individuals affected with UNC80-related conditions. An algorithm developed to predict the effect of missense changes on protein structure and function (PolyPhen-2) suggests that this variant is likely to be tolerated. In summary, the available evidence is currently insufficient to determine the role of this variant in disease. Therefore, it has been classified as a Variant of Uncertain Significance.

NM_001371986.1(UNC80):c.3851T>C (p.Val1284Ala)

Gene: UNC80 (unc-80 subunit of NALCN channel complex; plus strand). Cytogenetic location: 2q34.
Variant type: single nucleotide variant.
Coding change: c.3851T>C on transcript NM_001371986.1 (MANE Select); coding-DNA position 3851, T replaced by C.
Protein change: p.Val1284Ala; replaces valine 1284 with alanine.
Molecular consequence: missense variant.
Genome position (GRCh38, 1-based): chr2:209,877,964, T>C. VCF-style: chr2-209877964-T-C. GRCh37 (hg19) VCF-style: chr2-210742688-T-C.
Other names: c.3857T>C, p.Val1286Ala (NM_032504.2); c.3842T>C, p.Val1281Ala (NM_182587.4); short protein forms V1284A, V1281A, V1286A.
Identifiers: ClinVar variation 3697389 (VCV003697389.2).